The following is an entry in ClinVar:

NM_005219.5(DIAPH1):c.140A>T (p.Asp47Val)

Gene: DIAPH1 (diaphanous related formin 1; minus strand). Cytogenetic location: 5q31.3.
Variant type: single nucleotide variant.
Coding change: c.140A>T on transcript NM_005219.5 (MANE Select); coding-DNA position 140, A replaced by T.
Protein change: p.Asp47Val; replaces aspartic acid 47 with valine.
Molecular consequence: missense variant. On other transcripts: intron variant (1).
Genome position (GRCh38, 1-based): chr5:141,588,228, T>A on the plus strand (A>T on the coding strand, the complement: DIAPH1 is on the minus strand). VCF-style: chr5-141588228-T-A. GRCh37 (hg19) VCF-style: chr5-140967795-T-A.
Other names: c.140A>T, p.Asp47Val (NM_001314007.2); c.118-1031A>T (NM_001079812.3); short protein forms D47V.
Identifiers: ClinVar variation 2121704 (VCV002121704.4), dbSNP rs2513784131, ClinGen allele CA361546919.

ClinVar aggregate classification (germline): Uncertain significance (1 of 4 stars; one submission).

Conditions:
Autosomal dominant nonsyndromic hearing loss 1. Also called: KONIGSMARK SYNDROME; DEAFNESS, AUTOSOMAL DOMINANT 1, WITH OR WITHOUT THROMBOCYTOPENIA. Identifiers: Orphanet 90635, MedGen C1852282, MONDO:0007424, OMIM 124900.
Progressive microcephaly-seizures-cortical blindness-developmental delay syndrome. Also called: Seizures, cortical blindness, and microcephaly syndrome. Identifiers: Orphanet 477814, MedGen C5567650, MONDO:0014714, OMIM 616632.

Submission:

Labcorp Genetics (formerly Invitae), Labcorp
Classification: Uncertain significance for Progressive microcephaly-seizures-cortical blindness-developmental delay syndrome; Autosomal dominant nonsyndromic hearing loss 1. Last evaluated: 2022-04-04. Review status: criteria provided, single submitter. Criteria: Invitae Variant Classification Sherloc (09022015). Collection method: clinical testing. Allele origin: germline.
Comment: In summary, the available evidence is currently insufficient to determine the role of this variant in disease. Therefore, it has been classified as a Variant of Uncertain Significance. Algorithms developed to predict the effect of missense changes on protein structure and function are either unavailable or do not agree on the potential impact of this missense change (SIFT: "Deleterious"; PolyPhen-2: "Not Available"; Align-GVGD: "Class C0"). This variant has not been reported in the literature in individuals affected with DIAPH1-related conditions. This variant is not present in population databases (gnomAD no frequency). This sequence change replaces aspartic acid, which is acidic and polar, with valine, which is neutral and non-polar, at codon 47 of the DIAPH1 protein (p.Asp47Val).